The following is an entry in ClinVar:

NM_005732.4(RAD50):c.2257A>C (p.Lys753Gln)

Gene: RAD50 (RAD50 double strand break repair protein; plus strand). Cytogenetic location: 5q31.1.
Variant type: single nucleotide variant.
Coding change: c.2257A>C on transcript NM_005732.4 (MANE Select); coding-DNA position 2257, A replaced by C.
Protein change: p.Lys753Gln; replaces lysine 753 with glutamine.
Molecular consequence: missense variant.
Genome position (GRCh38, 1-based): chr5:132,603,349, A>C. VCF-style: chr5-132603349-A-C. GRCh37 (hg19) VCF-style: chr5-131939041-A-C.
Other names: short protein forms K753Q.
Identifiers: ClinVar variation 937460 (VCV000937460.12), dbSNP rs1750920992, ClinGen allele CA360954077.

ClinVar aggregate classification (germline): Uncertain significance. Review status: criteria provided, multiple submitters, no conflicts (2 of 4 stars). 2 submissions from 2 submitters: Uncertain significance (2). Last evaluated 2019-07-31.

Conditions:
Hereditary cancer-predisposing syndrome. Also called: Tumor predisposition; Hereditary neoplastic syndrome; Hereditary Cancer Syndrome; Neoplastic Syndromes, Hereditary. Identifiers: Orphanet 140162, MedGen C0027672, MeSH D009386, MONDO:0015356.

Submissions (2):

Labcorp Genetics (formerly Invitae), Labcorp
Classification: Uncertain significance for Hereditary cancer-predisposing syndrome. Last evaluated: 2019-07-31. Review status: criteria provided, single submitter. Criteria: Invitae Variant Classification Sherloc (09022015). Collection method: clinical testing. Allele origin: germline.
Comment: In summary, the available evidence is currently insufficient to determine the role of this variant in disease. Therefore, it has been classified as a Variant of Uncertain Significance. Algorithms developed to predict the effect of missense changes on protein structure and function (SIFT, PolyPhen-2, Align-GVGD) all suggest that this variant is likely to be tolerated, but these predictions have not been confirmed by published functional studies and their clinical significance is uncertain. This variant has not been reported in the literature in individuals with RAD50-related conditions. This variant is not present in population databases (ExAC no frequency). This sequence change replaces lysine with glutamine at codon 753 of the RAD50 protein (p.Lys753Gln). The lysine residue is weakly conserved and there is a small physicochemical difference between lysine and glutamine.

Ambry Genetics
Classification: Uncertain significance for Hereditary cancer-predisposing syndrome. Last evaluated: 2017-12-04. Review status: criteria provided, single submitter. Criteria: Ambry Variant Classification Scheme 2023. Collection method: clinical testing. Allele origin: germline.
Comment: The p.K753Q variant (also known as c.2257A>C), located in coding exon 14 of the RAD50 gene, results from an A to C substitution at nucleotide position 2257. The lysine at codon 753 is replaced by glutamine, an amino acid with similar properties. This amino acid position is not well conserved in available vertebrate species. In addition, this alteration is predicted to be tolerated by in silico analysis. Since supporting evidence is limited at this time, the clinical significance of this alteration remains unclear.